The following is an entry in ClinVar:

NM_001330078.2(NRXN1):c.2323C>T (p.Arg775Cys)

Gene: NRXN1 (neurexin 1; minus strand). Cytogenetic location: 2p16.3.
Variant type: single nucleotide variant.
Coding change: c.2323C>T on transcript NM_001330078.2 (MANE Select); coding-DNA position 2323, C replaced by T.
Protein change: p.Arg775Cys; replaces arginine 775 with cysteine.
Molecular consequence: missense variant.
Genome position (GRCh38, 1-based): chr2:50,531,251, G>A on the plus strand (C>T on the coding strand, the complement: NRXN1 is on the minus strand). VCF-style: chr2-50531251-G-A. GRCh37 (hg19) VCF-style: chr2-50758389-G-A.
Other names: c.2443C>T, p.Arg815Cys (NM_001135659.3); c.2299C>T, p.Arg767Cys (NM_001330077.2, NM_001330082.2, NM_001330095.2); c.2284C>T, p.Arg762Cys (NM_001330083.2, NM_001330084.2); c.2323C>T, p.Arg775Cys (NM_001330085.2, NM_001330086.2, NM_004801.6); c.2239C>T, p.Arg747Cys (NM_001330087.2, NM_001330096.2); c.2269C>T, p.Arg757Cys (NM_001330088.2); c.2320C>T, p.Arg774Cys (NM_001330093.2); c.2311C>T, p.Arg771Cys (NM_001330094.2); short protein forms R815C, R775C, R757C, R767C, R771C, R747C, R762C, R774C.
Identifiers: ClinVar variation 567573 (VCV000567573.10), dbSNP rs201387857, ClinGen allele CA47312854.

ClinVar aggregate classification (germline): Uncertain significance. Review status: criteria provided, multiple submitters, no conflicts (2 of 4 stars). 2 submissions from 2 submitters: Uncertain significance (2). Last evaluated 2026-02-03.

Conditions:
Pitt-Hopkins-like syndrome 2 (PTHSL2). Identifiers: Orphanet 221150, Orphanet 600663, MedGen C3280479, MONDO:0013690, OMIM 614325.

Allele frequency attached by ClinVar (database versions not stated): gnomAD exomes below 0.00001 and 0.00001; gnomAD 0.00002; TOPMed 0.00003.
gnomAD v4.1: 11 of 1,613,164 alleles (0.00068%); highest among the groups gnomAD compares: Middle Eastern, 0.017%; no homozygotes.

Submissions (2):

GeneDx
Classification: Uncertain significance. Last evaluated: 2026-02-03. Review status: criteria provided, single submitter. Criteria: GeneDx Variant Classification Process June 2021. Collection method: clinical testing. Allele origin: germline.
Comment: In silico analysis supports that this missense variant has a deleterious effect on protein structure/function; Has not been previously published as pathogenic or benign to our knowledge

Labcorp Genetics (formerly Invitae), Labcorp
Classification: Uncertain significance for Pitt-Hopkins-like syndrome 2. Last evaluated: 2025-01-17. Review status: criteria provided, single submitter. Criteria: Invitae Variant Classification Sherloc (09022015). Collection method: clinical testing. Allele origin: germline.
Comment: This sequence change replaces arginine, which is basic and polar, with cysteine, which is neutral and slightly polar, at codon 815 of the NRXN1 protein (p.Arg815Cys). This variant is present in population databases (rs201387857, gnomAD 0.004%). This variant has not been reported in the literature in individuals affected with NRXN1-related conditions. ClinVar contains an entry for this variant (Variation ID: 567573). An algorithm developed to predict the effect of missense changes on protein structure and function (PolyPhen-2) suggests that this variant is likely to be disruptive. In summary, the available evidence is currently insufficient to determine the role of this variant in disease. Therefore, it has been classified as a Variant of Uncertain Significance.